The following is an entry in ClinVar:

ClinVar aggregate classification (germline): Likely benign. Review status: criteria provided, single submitter (1 of 4 stars). 4 submissions from 4 submitters: Likely benign (1). 3 of the submissions do not count toward it. Last evaluated 2016-10-01.

Conditions:
Myotonic dystrophy. Also called: Myotonia atrophica; DYSTROPHIA MYOTONICA. Identifiers: Orphanet 206647, MedGen C0027126, MONDO:0016107.
DMPK-related disorder. Also called: DMPK-related condition.

Allele frequency attached by ClinVar (database versions not stated): 1000 Genomes Project 0.00060; 1000 Genomes Project 30x 0.00062; gnomAD exomes 0.00070; gnomAD 0.00075 and 0.00078; TOPMed 0.00086; ESP Exome Variant Server 0.00093; ExAC 0.00098.

Submissions (4):

CSER _CC_NCGL, University of Washington
Classification: Likely benign for Myotonic dystrophy. Last evaluated: 2016-10-01. Review status: criteria provided, single submitter. Criteria: Amendola et al. (Genome Res. 2015). Collection method: research. Allele origin: germline. Affected: no. Study: CSER - NEXT Medicine variant annotation.
Comment: This interpretation considers GERP score and allele frequency data, in addition to published reports of the variant in the literature, available at the time of review.

PreventionGenetics, part of Exact Sciences
Classification: Likely benign for DMPK-related condition. Last evaluated: 2022-11-09. Review status: no assertion criteria provided. Collection method: clinical testing. Allele origin: germline. Not counted in ClinVar's aggregate classification.
Comment: This variant is classified as likely benign based on ACMG/AMP sequence variant interpretation guidelines (Richards et al. 2015 PMID: 25741868, with internal and published modifications).

Clinical Genetics DNA and cytogenetics Diagnostics Lab, Erasmus MC, Erasmus Medical Center
Classification: Uncertain significance. Review status: no assertion criteria provided. Collection method: clinical testing. Allele origin: germline. Affected: yes. Study: VKGL Data-share Consensus. Not counted in ClinVar's aggregate classification.

Diagnostic Laboratory, Department of Genetics, University Medical Center Groningen
Classification: Uncertain significance. Review status: no assertion criteria provided. Collection method: clinical testing. Allele origin: germline. Affected: yes. Study: VKGL Data-share Consensus. Not counted in ClinVar's aggregate classification.

NM_004409.5(DMPK):c.1477C>T (p.Arg493Cys)

Genes: DM1-AS (DM1 locus antisense RNA; plus strand), DMPK (DM1 protein kinase; minus strand), LOC107075317 (origin of replication in DMPK trinucleotide repeat region; plus strand). Cytogenetic location: 19q13.32.
Variant type: single nucleotide variant.
Coding change: c.1477C>T on transcript NM_004409.5 (MANE Select); coding-DNA position 1477, C replaced by T.
Protein change: p.Arg493Cys; replaces arginine 493 with cysteine.
Molecular consequence: missense variant. On other transcripts: non-coding transcript variant (1).
Genome position (GRCh38, 1-based): chr19:45,771,796, G>A on the plus strand (C>T on the coding strand, the complement: DMPK is on the minus strand). VCF-style: chr19-45771796-G-A. GRCh37 (hg19) VCF-style: chr19-46275054-G-A.
Other names: c.1462C>T, p.Arg488Cys (NM_001081560.3, NM_001081562.3, NM_001288766.2 and 1 more transcripts); c.1507C>T, p.Arg503Cys (NM_001081563.3); c.1555C>T, p.Arg519Cys (NM_001288764.2, NM_001424163.1); c.1210C>T, p.Arg404Cys (NM_001288765.2); c.1477C>T, p.Arg493Cys (NM_001424162.1, NM_001424164.1, NM_001424165.1 and 1 more transcripts); c.1036C>T, p.Arg346Cys (NM_001424166.1); short protein forms R488C, R493C, R503C, R519C, R404C, R346C.
Identifiers: ClinVar variation 496650 (VCV000496650.5), dbSNP rs78771765, ClinGen allele CA9521116.
Genomic context (GRCh38, chr19:45,771,796, plus strand): 5'-CGCATCCCGGCCCCGGCCCCGGCCCCGATCCCGACCTGGCGAAGTTCTGGTTGTCCGTGC[G>A]GATGGCCTCCATCTCCCGGCTCAGGCTCTGCCGGGTGAGCACCTCCTCCTCCAGGGCTTC-3'
Protein context (NP_004400.4, residues 483-503): QSLSREMEAI[Arg493Cys]TDNQNFASQL